The following is an entry in ClinVar:

ClinVar aggregate classification (germline): Benign/Likely benign. Review status: criteria provided, multiple submitters, no conflicts (2 of 4 stars). 9 submissions from 9 submitters: Benign (1); Likely benign (7). 1 of the submissions does not count toward it. Last evaluated 2026-05-20.

Conditions:
NF1-related disorder. Also called: NF1-related condition. Identifiers: MedGen CN379171.
Hereditary cancer-predisposing syndrome. Also called: Tumor predisposition; Neoplastic Syndromes, Hereditary; Hereditary Cancer Syndrome; Hereditary neoplastic syndrome. Identifiers: Orphanet 140162, MedGen C0027672, MeSH D009386, MONDO:0015356.
Neurofibromatosis, type 1 (NF1). Also called: Peripheral type neurofibromatosis; Neurofibromatosis, type I; NEUROFIBROMATOSIS, TYPE I, SOMATIC; VON RECKLINGHAUSEN DISEASE. Identifiers: Orphanet 636, MedGen C0027831, MONDO:0018975, OMIM 162200. Disease mechanism: loss of function.

Allele frequency attached by ClinVar (database versions not stated): ExAC 0.00001; gnomAD 0.00001; gnomAD exomes 0.00001; TOPMed 0.00002.
gnomAD v4.1: 15 of 1,614,008 alleles (0.00093%); highest among the groups gnomAD compares: Middle Eastern, 0.016%; no homozygotes.

Submissions (9):

Myriad Genetics, Inc.
Classification: Benign for Neurofibromatosis, type 1. Last evaluated: 2026-05-20. Review status: criteria provided, single submitter. Criteria: Myriad Autosomal Dominant, Autosomal Recessive and X-Linked Classification Criteria (2023). Collection method: clinical testing. Allele origin: unknown.
Comment: This variant is considered benign. This variant is a silent/synonymous amino acid change and it is not expected to impact splicing.

Labcorp Genetics (formerly Invitae), Labcorp
Classification: Likely benign for Neurofibromatosis, type 1. Last evaluated: 2026-01-04. Review status: criteria provided, single submitter. Criteria: Invitae Variant Classification Sherloc (09022015). Collection method: clinical testing. Allele origin: germline.

CeGaT Center for Human Genetics Tuebingen
Classification: Likely benign. Last evaluated: 2025-11-01. Review status: criteria provided, single submitter. Criteria: CeGaT Center For Human Genetics Tuebingen Variant Classification Criteria Version 2. Collection method: clinical testing. Allele origin: germline. Affected: yes. Observed: 2 variant alleles.
Comment: NF1: BP4, BP7

Blueprint Genetics
Classification: Likely benign. Last evaluated: 2022-09-21. Review status: criteria provided, single submitter. Criteria: ACMG Guidelines, 2015. Collection method: clinical testing. Allele origin: germline.

Genome-Nilou Lab
Classification: Likely benign for Neurofibromatosis, type 1. Last evaluated: 2022-03-15. Review status: criteria provided, single submitter. Criteria: ACMG Guidelines, 2015. Collection method: clinical testing. Allele origin: germline. Affected: no.

GeneDx
Classification: Likely benign. Last evaluated: 2020-12-14. Review status: criteria provided, single submitter. Criteria: GeneDx Variant Classification Process June 2021. Collection method: clinical testing. Allele origin: germline. Affected: yes.

Laboratory for Molecular Medicine, Mass General Brigham Personalized Medicine
Classification: Likely benign. Last evaluated: 2016-10-25. Review status: criteria provided, single submitter. Criteria: LMM Criteria. Collection method: clinical testing. Allele origin: germline. Observed: 1 variant allele.
Comment: p.Thr1648Thr in exon 37 of NF1: This variant is not expected to have clinical si gnificance because it does not alter an amino acid residue and is not located wi thin the splice consensus sequence. It has been identified in 1/66730 European c hromosomes by the Exome Aggregation Consortium (ExAC .org; dbSNP rs759291615 ).

Ambry Genetics
Classification: Likely benign for Hereditary cancer-predisposing syndrome. Last evaluated: 2014-10-15. Review status: criteria provided, single submitter. Criteria: Ambry Autosomal Dominant and X-Linked criteria (10/2015). Collection method: clinical testing. Allele origin: germline. Observed: 1 variant allele.

PreventionGenetics, part of Exact Sciences
Classification: Likely benign for NF1-related condition. Last evaluated: 2019-11-21. Review status: no assertion criteria provided. Collection method: clinical testing. Allele origin: germline. Not counted in ClinVar's aggregate classification.
Comment: This variant is classified as likely benign based on ACMG/AMP sequence variant interpretation guidelines (Richards et al. 2015 PMID: 25741868, with internal and published modifications).

NM_001042492.3(NF1):c.4944C>T (p.Thr1648=)

Gene: NF1 (neurofibromin 1; plus strand). Cytogenetic location: 17q11.2.
Variant type: single nucleotide variant.
Coding change: c.4944C>T on transcript NM_001042492.3 (MANE Select); coding-DNA position 4944, C replaced by T.
Protein change: p.Thr1648=; no amino-acid change (threonine 1648 retained).
Molecular consequence: synonymous variant.
Genome position (GRCh38, 1-based): chr17:31,325,928, C>T. VCF-style: chr17-31325928-C-T. GRCh37 (hg19) VCF-style: chr17-29652946-C-T.
Other names: c.4881C>T, p.Thr1627= (NM_000267.4).
Identifiers: ClinVar variation 186765 (VCV000186765.34), dbSNP rs759291615, ClinGen allele CA195805.